The following is an entry in ClinVar:

NM_001349338.3(FOXP1):c.1071del (p.Asp358fs)

Gene: FOXP1 (forkhead box P1; minus strand). Cytogenetic location: 3p13.
Variant type: Deletion.
Coding change: c.1071del on transcript NM_001349338.3 (MANE Select); coding-DNA position 1071, one base deleted (A; older notation c.1071delA).
Protein change: p.Asp358fs; shifts the reading frame from aspartic acid 358.
Molecular consequence: frameshift variant. On other transcripts: non-coding transcript variant (2).
Genome position (GRCh38, 1-based): chr3:70,988,069, T deleted on the plus strand (A on the coding strand, the reverse complement: FOXP1 is on the minus strand); the first of 4 consecutive T bases (chr3:70,988,069-70,988,072); deleting any one gives the same sequence. VCF-style (leftmost placement, unchanged base first): chr3-70988068-CT-C. GRCh37 (hg19) VCF-style: chr3-71037219-CT-C.
Other names: c.1071delA (NM_032682.5); c.1071del, p.Asp358fs (NM_001244808.3, NM_001244810.2, NM_001244814.3 and 3 more transcripts); c.843del, p.Asp282fs (NM_001244812.3); c.771del, p.Asp258fs (NM_001244813.3, NM_001244815.2, NM_001349342.3 and 1 more transcripts); c.768del, p.Asp257fs (NM_001349337.2, NM_001349343.3, NM_001349344.3); c.1068del, p.Asp357fs (NM_001349341.3); short protein forms D258fs, D257fs, D282fs, D357fs, D358fs.
Identifiers: ClinVar variation 503998 (VCV000503998.3), dbSNP rs1553678501, ClinGen allele CA658796346.

ClinVar aggregate classification (germline): Pathogenic (1 of 4 stars; one submission).

Submission:

GeneDx
Classification: Pathogenic. Last evaluated: 2019-11-07. Review status: criteria provided, single submitter. Criteria: GeneDx Variant Classification Process June 2021. Collection method: clinical testing. Allele origin: germline. Affected: yes.
Comment: Frameshift variant predicted to result in protein truncation or nonsense mediated decay in a gene for which loss-of-function is a known mechanism of disease; Not observed in large population cohorts (Lek et al., 2016); Has not been previously published as pathogenic or benign to our knowledge